The following is an entry in ClinVar:

ClinVar aggregate classification (germline): Uncertain significance. Review status: criteria provided, multiple submitters, no conflicts (2 of 4 stars). 2 submissions from 2 submitters: Uncertain significance (2). Last evaluated 2025-07-28.

Conditions:
Cardiovascular phenotype. Identifiers: MedGen CN230736.
Ehlers-Danlos syndrome, classic type, 1 (EDSCL1). Also called: Ehlers-Danlos Syndrome, Classic Type, COL5A1-Related; EHLERS-DANLOS SYNDROME, GRAVIS TYPE; EHLERS-DANLOS SYNDROME, SEVERE CLASSIC TYPE; Ehlers-Danlos syndrome, type 1; EDS I. Identifiers: MedGen C0268335, MONDO:0019567, OMIM 130000.
Osteogenesis imperfecta type I (OI1). Also called: OI, TYPE I; OSTEOGENESIS IMPERFECTA TARDA; OSTEOGENESIS IMPERFECTA WITH BLUE SCLERAE; Osteogenesis imperfecta type 1; Classic Non-deforming Osteogenesis Imperfecta with Blue Sclerae; Lobstein's Disease. Identifiers: Orphanet 216796, Orphanet 666, MedGen C0023931, MONDO:0008146, OMIM 166200. Disease mechanism: loss of function.

Allele frequency attached by ClinVar (database versions not stated): ESP Exome Variant Server 0.00008.
gnomAD v4.1: 4 of 1,614,148 alleles (0.00025%); highest among the groups gnomAD compares: Non-Finnish European, 0.00034%; no homozygotes.

Submissions (2):

Labcorp Genetics (formerly Invitae), Labcorp
Classification: Uncertain significance for Osteogenesis imperfecta type I; Ehlers-Danlos syndrome, classic type, 1. Last evaluated: 2025-07-28. Review status: criteria provided, single submitter. Criteria: Invitae Variant Classification Sherloc (09022015). Collection method: clinical testing. Allele origin: germline.
Comment: This sequence change replaces alanine, which is neutral and non-polar, with serine, which is neutral and polar, at codon 852 of the COL1A2 protein (p.Ala852Ser). This variant is present in population databases (rs375155526, gnomAD 0.002%). This variant has not been reported in the literature in individuals affected with COL1A2-related conditions. ClinVar contains an entry for this variant (Variation ID: 2152577). Invitae Evidence Modeling of protein sequence and biophysical properties (such as structural, functional, and spatial information, amino acid conservation, physicochemical variation, residue mobility, and thermodynamic stability) indicates that this missense variant is not expected to disrupt COL1A2 protein function with a negative predictive value of 95%. In summary, the available evidence is currently insufficient to determine the role of this variant in disease. Therefore, it has been classified as a Variant of Uncertain Significance.

Ambry Genetics
Classification: Uncertain significance for Cardiovascular phenotype. Last evaluated: 2025-01-14. Review status: criteria provided, single submitter. Criteria: Ambry Variant Classification Scheme 2023. Collection method: clinical testing. Allele origin: germline.
Comment: The p.A852S variant (also known as c.2554G>T), located in coding exon 40 of the COL1A2 gene, results from a G to T substitution at nucleotide position 2554. The alanine at codon 852 is replaced by serine, an amino acid with similar properties. This amino acid position is poorly conserved in available vertebrate species. In addition, this alteration is predicted to be tolerated by in silico analysis. Based on the available evidence, the clinical significance of this variant remains unclear.

NM_000089.4(COL1A2):c.2554G>T (p.Ala852Ser)

Gene: COL1A2 (collagen type I alpha 2 chain; plus strand). Cytogenetic location: 7q21.3.
Variant type: single nucleotide variant.
Coding change: c.2554G>T on transcript NM_000089.4 (MANE Select); coding-DNA position 2554, G replaced by T.
Protein change: p.Ala852Ser; replaces alanine 852 with serine.
Molecular consequence: missense variant.
Genome position (GRCh38, 1-based): chr7:94,423,107, G>T. VCF-style: chr7-94423107-G-T. GRCh37 (hg19) VCF-style: chr7-94052419-G-T.
Other names: short protein forms A852S.
Identifiers: ClinVar variation 2152577 (VCV002152577.5), dbSNP rs375155526, ClinGen allele CA4347474.